The following is an entry in ClinVar:

NM_005144.5(HR):c.2218G>A (p.Ala740Thr)

Gene: HR (HR lysine demethylase and nuclear receptor corepressor; minus strand). Cytogenetic location: 8p21.3.
Variant type: single nucleotide variant.
Coding change: c.2218G>A on transcript NM_005144.5 (MANE Select); coding-DNA position 2218, G replaced by A.
Protein change: p.Ala740Thr; replaces alanine 740 with threonine.
Molecular consequence: missense variant.
Genome position (GRCh38, 1-based): chr8:22,121,214, C>T on the plus strand (G>A on the coding strand, the complement: HR is on the minus strand). VCF-style: chr8-22121214-C-T. GRCh37 (hg19) VCF-style: chr8-21978727-C-T.
Other names: c.2218G>A, p.Ala740Thr (NM_018411.4); short protein forms A740T.
Identifiers: ClinVar variation 3106908 (VCV003106908.3), dbSNP rs139027208, ClinGen allele CA4662174.

ClinVar aggregate classification (germline): Conflicting classifications of pathogenicity. Review status: criteria provided, conflicting classifications (1 of 4 stars). 2 submissions from 2 submitters: Uncertain significance (1); Likely benign (1). Last evaluated 2025-08-21.

Conditions:
Inborn genetic diseases. Identifiers: MedGen C0950123, MeSH D030342.

Allele frequency attached by ClinVar (database versions not stated): ExAC 0.00008; gnomAD 0.00023; ESP Exome Variant Server 0.00023; 1000 Genomes Project 0.00040; 1000 Genomes Project 30x 0.00031.
gnomAD v4.1: 81 of 1,613,762 alleles (0.005%); highest among the groups gnomAD compares: African/African-American, 0.064%; no homozygotes.

Submissions (2):

Labcorp Genetics (formerly Invitae), Labcorp
Classification: Uncertain significance. Last evaluated: 2025-08-21. Review status: criteria provided, single submitter. Criteria: Invitae Variant Classification Sherloc (09022015). Collection method: clinical testing. Allele origin: germline.
Comment: This sequence change replaces alanine, which is neutral and non-polar, with threonine, which is neutral and polar, at codon 740 of the HR protein (p.Ala740Thr). This variant is present in population databases (rs139027208, gnomAD 0.06%). This variant has not been reported in the literature in individuals affected with HR-related conditions. ClinVar contains an entry for this variant (Variation ID: 3106908). An algorithm developed to predict the effect of missense changes on protein structure and function outputs the following: PolyPhen-2: "Benign". The threonine amino acid residue is found in multiple mammalian species, which suggests that this missense change does not adversely affect protein function. In summary, the available evidence is currently insufficient to determine the role of this variant in disease. Therefore, it has been classified as a Variant of Uncertain Significance.

Ambry Genetics
Classification: Likely benign for Inborn genetic diseases. Last evaluated: 2024-01-23. Review status: criteria provided, single submitter. Criteria: Ambry Variant Classification Scheme 2023. Collection method: clinical testing. Allele origin: germline.